The following is an entry in ClinVar:

ClinVar aggregate classification (germline): Uncertain significance (1 of 4 stars; one submission).

Submission:

Labcorp Genetics (formerly Invitae), Labcorp
Classification: Uncertain significance. Last evaluated: 2024-10-11. Review status: criteria provided, single submitter. Criteria: Invitae Variant Classification Sherloc (09022015). Collection method: clinical testing. Allele origin: germline.
Comment: This sequence change replaces arginine, which is basic and polar, with leucine, which is neutral and non-polar, at codon 185 of the CLPP protein (p.Arg185Leu). This variant is not present in population databases (gnomAD no frequency). This variant has not been reported in the literature in individuals affected with CLPP-related conditions. An algorithm developed to predict the effect of missense changes on protein structure and function (PolyPhen-2) suggests that this variant¬†is likely to be tolerated. In summary, the available evidence is currently insufficient to determine the role of this variant in disease. Therefore, it has been classified as a Variant of Uncertain Significance.

NM_006012.4(CLPP):c.554G>T (p.Arg185Leu)

Gene: CLPP (caseinolytic mitochondrial matrix peptidase proteolytic subunit; plus strand). Cytogenetic location: 19p13.3.
Variant type: single nucleotide variant.
Coding change: c.554G>T on transcript NM_006012.4 (MANE Select); coding-DNA position 554, G replaced by T.
Protein change: p.Arg185Leu; replaces arginine 185 with leucine.
Molecular consequence: missense variant.
Genome position (GRCh38, 1-based): chr19:6,364,638, G>T. VCF-style: chr19-6364638-G-T. GRCh37 (hg19) VCF-style: chr19-6364649-G-T.
Other names: short protein forms R185L.
Identifiers: ClinVar variation 3688494 (VCV003688494.1).